The following is an entry in ClinVar:

NM_198253.3(TERT):c.2431_2433delinsTGT (p.Arg811Cys)

Gene: TERT (telomerase reverse transcriptase; minus strand). Cytogenetic location: 5p15.33.
Variant type: Indel.
Coding change: c.2431_2433delinsTGT on transcript NM_198253.3 (MANE Select); coding-DNA positions 2431 to 2433, CGC replaced by TGT.
Protein change: p.Arg811Cys; replaces arginine 811 with cysteine.
Molecular consequence: missense variant.
Genome position (GRCh38, 1-based): chr5:1,271,154-1,271,156, GCG replaced by ACA on the plus strand (CGC replaced by TGT on the coding strand, the reverse complement: TERT is on the minus strand). VCF-style: chr5-1271154-GCG-ACA. GRCh37 (hg19) VCF-style: chr5-1271269-GCG-ACA.
Other names: p.Arg811Cys; c.2431_2433delCGCinsTGT (NM_198253.3, NM_198253.2); c.2431_2433delinsTGT, p.Arg811Cys (NM_001193376.3); c.2431_2433delinsTGT (NM_198253.2); short protein forms R811C.
Identifiers: ClinVar variation 1695951 (VCV001695951.4), dbSNP rs2478200217, ClinGen allele CA2580072016.
Genomic context (GRCh38, chr5:1,271,154, plus strand): 5'-AATGGCACCTGGCCACCTGACTCACTTGCCCCTGATGCGCACGGCGTGGTGGCACATGAA[GCG>ACA]TAGGAAGACGTCGAAGAGGCCACTGCTGGCCTCATTCAGGGAGGAGCTCTGCGAAAGCAG-3'
Protein context (NP_937983.2, residues 801-821): ASSGLFDVFL[Arg811Cys]FMCHHAVRIR

ClinVar aggregate classification (germline): Conflicting classifications of pathogenicity. Review status: criteria provided, conflicting classifications (1 of 4 stars). 4 submissions from 4 submitters: Likely pathogenic (1); Uncertain significance (2). 1 of the submissions does not count toward it. Last evaluated 2026-08-28.

Conditions:
Pulmonary fibrosis. Identifiers: MedGen C0034069, MONDO:0002771, HP:0002206.
Dyskeratosis congenita. Identifiers: Orphanet 1775, MedGen C0265965, MONDO:0015780.
Dyskeratosis congenita, autosomal dominant 2. Identifiers: MedGen C3151443, MONDO:0013521, OMIM 613989.

Submissions (4):

Ambry Genetics
Classification: Uncertain significance for Dyskeratosis congenita. Last evaluated: 2026-08-28. Review status: criteria provided, single submitter. Criteria: Ambry Variant Classification Scheme 2023. Collection method: clinical testing. Allele origin: germline.
Comment: The c.2431_2433delCGCinsTGT variant, located in coding exon 8 of the TERT gene, results from an in-frame deletion of CGC and insertion of TGT at nucleotide positions 2431 to 2433. This results in the substitution of the arginine residue for a cysteine residue at codon 811, an amino acid with highly dissimilar properties. This variant has been reported in the homozygous state in an individual with features of TERT-related disorders including abnormal skin pigmentation, tongue leukoplakia, nail dystrophy, and tri-lineage bone marrow failure (Marrone A et al. Blood, 2007 Dec;110:4198-205). Functional studies suggest this variant may affect TERT function, however, additional evidence is needed to confirm these findings (Marrone A et al. Blood, 2007 Dec;110:4198-205; Chu TW et al. J Biol Chem, 2016 Apr;291:8374-86). This amino acid position is poorly conserved in available vertebrate species. In addition, this alteration is predicted to be deleterious by in silico analysis. Based on the available evidence, the clinical significance of this variant remains unclear.

GeneDx
Classification: Likely pathogenic. Last evaluated: 2024-04-23. Review status: criteria provided, single submitter. Criteria: GeneDx Variant Classification Process June 2021. Collection method: clinical testing. Allele origin: germline. Affected: yes.
Comment: In silico analysis indicates that this variant does not alter protein structure/function; Not observed at significant frequency in large population cohorts (gnomAD); This variant is associated with the following publications: (PMID: 19796246, 36649908, 26887940, 28192371)

Baylor Genetics
Classification: Uncertain significance for Dyskeratosis congenita, autosomal dominant 2. Last evaluated: 2023-08-09. Review status: criteria provided, single submitter. Criteria: ACMG Guidelines, 2015. Collection method: clinical testing. Allele origin: unknown.

Garcia Pulmonary Genetics Research Laboratory, Columbia University Irving Medical Center
Classification: Likely risk allele for Pulmonary fibrosis. Last evaluated: 2022-06-09. Review status: no assertion criteria provided. Collection method: research. Allele origin: germline. Affected: yes. Not counted in ClinVar's aggregate classification.
Comment: Leukocyte telomere length (by qPCR) less than 10th percentile age-adjusted

Literature cited by the submitters: PubMed 17785587 (cited by Ambry Genetics); PubMed 26887940 (cited by Ambry Genetics); PubMed 33214205 (cited by Ambry Genetics); PubMed 36649908 (cited by Ambry Genetics).